The following is an entry in ClinVar:

ClinVar aggregate classification (germline): Conflicting classifications of pathogenicity. Review status: criteria provided, conflicting classifications (1 of 4 stars). 2 submissions from 2 submitters: Likely pathogenic (1); Uncertain significance (1). Last evaluated 2025-12-08.

Conditions:
Orofaciodigital syndrome type 14. Also called: Orofaciodigital syndrome xiv. Identifiers: Orphanet 434179, MedGen C4706604, MONDO:0014413, OMIM 615948.

Allele frequency attached by ClinVar (database versions not stated): gnomAD exomes 0.00004; gnomAD 0.00005; TOPMed 0.00005; ExAC 0.00007.
gnomAD v4.1: 95 of 1,535,982 alleles (0.0062%); highest among the groups gnomAD compares: Non-Finnish European, 0.0078%; no homozygotes.

Submissions (2):

Labcorp Genetics (formerly Invitae), Labcorp
Classification: Likely pathogenic. Last evaluated: 2025-12-08. Review status: criteria provided, single submitter. Criteria: Invitae Variant Classification Sherloc (09022015). Collection method: clinical testing. Allele origin: germline.
Comment: The C2CD3 gene has multiple clinically relevant transcripts. This variant occurs in alternate transcript NM_001286577.1, and corresponds to NM_015531.5: c.*367C>T in the primary transcript. This sequence change creates a premature translational stop signal (p.Arg1977*) in the C2CD3 gene. While this is anticipated to result in nonsense mediated decay, it is not known whether truncations in this region of the protein cause disease. This variant is present in population databases (rs748668786, gnomAD 0.01%). This premature translational stop signal has been observed in individual(s) with clinical features of C2CD3-related conditions (PMID: 26477546, 34930662; internal data). It has also been observed to segregate with disease in related individuals. In summary, the currently available evidence indicates that the variant is pathogenic, but additional data are needed to prove that conclusively. Therefore, this variant has been classified as Likely Pathogenic.

HudsonAlpha Institute for Biotechnology
Classification: Uncertain significance for Orofaciodigital syndrome type 14. Last evaluated: 2019-12-11. Review status: criteria provided, single submitter. Criteria: ACMG Guidelines, 2015. Collection method: research. Allele origin: unknown. Observed: 1 variant allele. Study: CSER-SouthSeq.
Comment: ACMG codes: PM2, PP4

Literature cited by the submitters: PubMed 26477546 (cited by Labcorp Genetics (formerly Invitae), Labcorp); PubMed 34930662 (cited by Labcorp Genetics (formerly Invitae), Labcorp).

NM_001286577.2(C2CD3):c.5929C>T (p.Arg1977Ter)

Gene: C2CD3 (C2 domain containing 3 centriole elongation regulator; minus strand). Cytogenetic location: 11q13.4.
Variant type: single nucleotide variant.
Coding change: c.5929C>T on transcript NM_001286577.2 (MANE Select); coding-DNA position 5929, C replaced by T.
Protein change: p.Arg1977Ter; replaces arginine 1977 with a stop codon.
Molecular consequence: nonsense.
Genome position (GRCh38, 1-based): chr11:74,034,231, G>A on the plus strand (C>T on the coding strand, the complement: C2CD3 is on the minus strand). VCF-style: chr11-74034231-G-A. GRCh37 (hg19) VCF-style: chr11-73745276-G-A.
Other names: short protein forms R1977*.
Identifiers: ClinVar variation 828028 (VCV000828028.4), dbSNP rs748668786, ClinGen allele CA6181729.